The following is an entry in ClinVar:

NM_000079.4(CHRNA1):c.411G>C (p.Thr137=)

Gene: CHRNA1 (cholinergic receptor nicotinic alpha 1 subunit; minus strand). Cytogenetic location: 2q31.1.
Variant type: single nucleotide variant.
Coding change: c.411G>C on transcript NM_000079.4 (MANE Select); coding-DNA position 411, G replaced by C.
Protein change: p.Thr137=; no amino-acid change (threonine 137 retained).
Molecular consequence: synonymous variant.
Genome position (GRCh38, 1-based): chr2:174,754,348, C>G on the plus strand (G>C on the coding strand, the complement: CHRNA1 is on the minus strand). VCF-style: chr2-174754348-C-G. GRCh37 (hg19) VCF-style: chr2-175619076-C-G.
Other names: c.486G>C, p.Thr162= (NM_001039523.3).
Identifiers: ClinVar variation 3061278 (VCV003061278.2), dbSNP rs758613275, ClinGen allele CA1974552.

ClinVar aggregate classification (germline): Likely benign (0 of 4 stars; one submission).

Conditions:
CHRNA1-related disorder. Also called: CHRNA1-related condition.

Allele frequency attached by ClinVar (database versions not stated): ExAC 0.00001.

Submission:

PreventionGenetics, part of Exact Sciences
Classification: Likely benign for CHRNA1-related condition. Last evaluated: 2024-02-23. Review status: no assertion criteria provided. Collection method: clinical testing. Allele origin: germline.
Comment: This variant is classified as likely benign based on ACMG/AMP sequence variant interpretation guidelines (Richards et al. 2015 PMID: 25741868, with internal and published modifications).